The following is an entry in ClinVar:

NM_001374828.1(ARID1B):c.1278_1299delinsAGCAGCAGGAGGC (p.Ala429_Ala433delinsGlyGly)

Gene: ARID1B (AT-rich interaction domain 1B; plus strand). Cytogenetic location: 6q25.3.
Variant type: Indel.
Coding change: c.1278_1299delinsAGCAGCAGGAGGC on transcript NM_001374828.1 (MANE Select); coding-DNA positions 1278 to 1299, CGCGGCGGCGGCGGCAGCAGCA replaced by AGCAGCAGGAGGC.
Protein change: p.Ala429_Ala433delinsGlyGly.
Molecular consequence: inframe indel.
Genome position (GRCh38, 1-based): chr6:156,778,958-156,778,979, CGCGGCGGCGGCGGCAGCAGCA replaced by AGCAGCAGGAGGC. GRCh37 (hg19): chr6:157,100,092-157,100,113.
Other names: c.1278_1299delinsAGCAGCAGGAGGC, p.Ala429_Ala433delinsGlyGly (NM_001371656.1, NM_001374820.1, NM_001438482.1 and 9 more transcripts).
Identifiers: ClinVar variation 4849663 (VCV004849663.1).
Genomic context (GRCh38, chr6:156,778,958, plus strand): 5'-AGGAGGAGGAGGAGGAGCAGGAGCAGGAGGAGCAGGAGCGGGAGCTGTGGCGGCGGCGGC[CGCGGCGGCGGCGGCAGCAGCA>AGCAGCAGGAGGC]GGAGGCGGCGGCGGCGGCGGCTATGGGGGCTCGTCCGCGGGGTACGGGGTGCTGAGCTCC-3'

ClinVar aggregate classification (germline): Uncertain significance (1 of 4 stars; one submission).

Conditions:
Coffin-Siris syndrome 1 (CSS1). Also called: ARID1B-Related Coffin-Siris Syndrome; Mental retardation, autosomal dominant 12. Identifiers: Orphanet 1465, MedGen C3281201, MONDO:0007617, OMIM 135900. Disease mechanism: gain of function.

Submission:

Institute of Immunology and Genetics Kaiserslautern
Classification: Uncertain significance for Coffin-Siris syndrome 1. Last evaluated: 2025-11-28. Review status: criteria provided, single submitter. Criteria: ACMG Guidelines, 2015. Collection method: clinical testing. Allele origin: germline. Affected: yes.
Comment: ACMG Criteria: PM2_P, BP3; Variant was found in heterozygous state.